The following is an entry in ClinVar:

ClinVar aggregate classification (germline): Conflicting classifications of pathogenicity. Review status: criteria provided, conflicting classifications (1 of 4 stars). 2 submissions from 2 submitters: Uncertain significance (1); Benign (1). Last evaluated 2022-09-12.

Conditions:
Heterotopia, periventricular, X-linked dominant (PVNH1). Also called: PERIVENTRICULAR NODULAR HETEROTOPIA 4; HETEROTOPIA, PERIVENTRICULAR, 1; PERIVENTRICULAR NODULAR HETEROTOPIA 1; X-linked periventricular heterotopia. Identifiers: Orphanet 2149, Orphanet 82004, MedGen C1848213, MONDO:0010233, OMIM 300049.
Oto-palato-digital syndrome, type II (OPD2). Also called: Otopalatodigital Syndrome, Type II; Otopalatodigital Syndrome Type 2 (FLNA-OPD2); FACIOPALATOOSSEOUS SYNDROME; OPD II SYNDROME. Identifiers: Orphanet 669, Orphanet 90652, MedGen C1844696, MONDO:0010571, OMIM 304120.
Frontometaphyseal dysplasia (FMD1). Identifiers: Orphanet 1826, MedGen C0265293, MONDO:0015942.
Melnick-Needles syndrome (MNS). Also called: Melnick-Needles Syndrome (FLNA-MNS); MELNICK-NEEDLES OSTEODYSPLASTY; OSTEODYSPLASTY OF MELNICK AND NEEDLES. Identifiers: Orphanet 2484, MedGen C0025237, MONDO:0010650, OMIM 309350.

Allele frequency attached by ClinVar (database versions not stated): gnomAD exomes below 0.00001 and 0.00001; ExAC 0.00001.
gnomAD v4.1: 5 of 1,211,004 alleles (0.00041%); highest among the groups gnomAD compares: Non-Finnish European, 0.00011%; no homozygotes.

Submissions (2):

Labcorp Genetics (formerly Invitae), Labcorp
Classification: Benign for Oto-palato-digital syndrome, type II; Heterotopia, periventricular, X-linked dominant; Frontometaphyseal dysplasia; Melnick-Needles syndrome. Last evaluated: 2022-09-12. Review status: criteria provided, single submitter. Criteria: Invitae Variant Classification Sherloc (09022015). Collection method: clinical testing. Allele origin: germline.

GeneDx
Classification: Uncertain significance. Last evaluated: 2020-12-28. Review status: criteria provided, single submitter. Criteria: GeneDx Variant Classification Process June 2021. Collection method: clinical testing. Allele origin: germline. Affected: yes.
Comment: In silico analysis supports that this missense variant does not alter protein structure/function

NM_001110556.2(FLNA):c.3412A>G (p.Ile1138Val)

Gene: FLNA (filamin A; minus strand). Cytogenetic location: Xq28.
Variant type: single nucleotide variant.
Coding change: c.3412A>G on transcript NM_001110556.2 (MANE Select); coding-DNA position 3412, A replaced by G.
Protein change: p.Ile1138Val; replaces isoleucine 1138 with valine.
Molecular consequence: missense variant.
Genome position (GRCh38, 1-based): chrX:154,360,383, T>C on the plus strand (A>G on the coding strand, the complement: FLNA is on the minus strand). VCF-style: chrX-154360383-T-C. GRCh37 (hg19) VCF-style: chrX-153588751-T-C.
Other names: c.3412A>G, p.Ile1138Val (NM_001456.4); short protein forms I1138V.
Identifiers: ClinVar variation 426316 (VCV000426316.8), dbSNP rs782318545, ClinGen allele CA10560710.
Genomic context (GRCh38, chrX:154,360,383, plus strand): 5'-AGCAGGGAACCACGTGGGCCTTGAATGGGGAGCCAGGGATGTGGGTGTCAGCGAAGAGGA[T>C]GTTGATGTTGTAGTCCCCGGGCTCGGTGGGCACGTAGGACACGGAACATGTGCCATCCCC-3'
Protein context (NP_001104026.1, residues 1128-1148): PTEPGDYNIN[Ile1138Val]LFADTHIPGS